The following is an entry in ClinVar:

ClinVar aggregate classification (germline): Uncertain significance. Review status: criteria provided, multiple submitters, no conflicts (2 of 4 stars). 2 submissions from 2 submitters: Uncertain significance (2). Last evaluated 2025-11-05.

Conditions:
Torsion dystonia 6 (DYT6). Also called: DYT-THAP1. Identifiers: Orphanet 98806, MedGen C1414216, MONDO:0011264, OMIM 602629.

Submissions (2):

3billion
Classification: Uncertain significance for Torsion dystonia 6. Last evaluated: 2025-11-05. Review status: criteria provided, single submitter. Criteria: ACMG Guidelines, 2015. Collection method: clinical testing. Allele origin: germline. Affected: yes.
Comment: The variant is not observed in the gnomAD v4.1.0 dataset. Predicted Consequence/Location: Missense variant The variant has been reported as of uncertain significance (ClinVar ID: VCV001702834). Therefore, this variant is classified as VUS according to the recommendation of ACMG/AMP guideline.

GeneDx
Classification: Uncertain significance. Last evaluated: 2022-02-21. Review status: criteria provided, single submitter. Criteria: GeneDx Variant Classification Process June 2021. Collection method: clinical testing. Allele origin: germline. Affected: yes.
Comment: Not observed at significant frequency in large population cohorts (gnomAD); In silico analysis supports that this missense variant has a deleterious effect on protein structure/function; Has not been previously published as pathogenic or benign to our knowledge

NM_018105.3(THAP1):c.52A>G (p.Lys18Glu)

Gene: THAP1 (THAP domain containing 1; minus strand). Cytogenetic location: 8p11.21.
Variant type: single nucleotide variant.
Coding change: c.52A>G on transcript NM_018105.3 (MANE Select); coding-DNA position 52, A replaced by G.
Protein change: p.Lys18Glu; replaces lysine 18 with glutamic acid.
Molecular consequence: missense variant.
Genome position (GRCh38, 1-based): chr8:42,843,043, T>C on the plus strand (A>G on the coding strand, the complement: THAP1 is on the minus strand). VCF-style: chr8-42843043-T-C. GRCh37 (hg19) VCF-style: chr8-42698186-T-C.
Other names: c.52A>G, p.Lys18Glu (NM_199003.2); short protein forms K18E.
Identifiers: ClinVar variation 1702834 (VCV001702834.3), dbSNP rs2128919280, ClinGen allele CA371109461.
Genomic context (GRCh38, chr8:42,843,043, plus strand): 5'-CCCGGCTGAGACCGGCCCCGCGAGGCGCGCAGGGTCCTCACTTGTGGAAAGAAACGGGCT[T>C]GTCCTTGTCGTAGCGGTTCTTGCAGCCGTAGGCGGAGCAGGACTGCACCATCCTTCCGGT-3'
Protein context (NP_060575.1, residues 8-28): YGCKNRYDKD[Lys18Glu]PVSFHKFPLT